The following is an entry in ClinVar:

NM_000211.5(ITGB2):c.475G>A (p.Glu159Lys)

Gene: ITGB2 (integrin subunit beta 2; minus strand). Cytogenetic location: 21q22.3.
Variant type: single nucleotide variant.
Coding change: c.475G>A on transcript NM_000211.5 (MANE Select); coding-DNA position 475, G replaced by A.
Protein change: p.Glu159Lys; replaces glutamic acid 159 with lysine.
Molecular consequence: missense variant.
Genome position (GRCh38, 1-based): chr21:44,903,389, C>T on the plus strand (G>A on the coding strand, the complement: ITGB2 is on the minus strand). VCF-style: chr21-44903389-C-T. GRCh37 (hg19) VCF-style: chr21-46323304-C-T.
Other names: c.475G>A, p.Glu159Lys (NM_001127491.3); c.268G>A, p.Glu90Lys (NM_001303238.2); short protein forms E90K, E159K.
Identifiers: ClinVar variation 861795 (VCV000861795.7), dbSNP rs765779500, ClinGen allele CA10063213.
Genomic context (GRCh38, chr21:44,903,389, plus strand): 5'-AGGACTGGGTTTTGTCCTGCAGTGCCTGGGCCTCACCAATGCGGCCGGACTCGGTGATCT[C>T]GTTGAGGGCCCGGAGCAGGTCGCCACCTAGCTTCTTGACATTCCTGAGGTCATCAAGCAT-3'
Protein context (NP_000202.3, residues 149-169): LGGDLLRALN[Glu159Lys]ITESGRIGFG

ClinVar aggregate classification (germline): Uncertain significance (1 of 4 stars; one submission).

Conditions:
Leukocyte adhesion deficiency 1 (LAD1). Also called: LEUKOCYTE ADHESION DEFICIENCY, TYPE I; LAD 1; Lymphocyte function-associated antigen 1 immunodeficiency; LFA 1 immunodeficiency. Identifiers: Orphanet 2968, Orphanet 99842, MedGen C0398738, MONDO:0007293, OMIM 116920.

Allele frequency attached by ClinVar (database versions not stated): TOPMed 0.00001; ExAC 0.00002; gnomAD 0.00002; gnomAD exomes 0.00003.
gnomAD v4.1: 17 of 1,613,976 alleles (0.0011%); highest among the groups gnomAD compares: Admixed American, 0.013%; no homozygotes.

Submission:

Labcorp Genetics (formerly Invitae), Labcorp
Classification: Uncertain significance for Leukocyte adhesion deficiency 1. Last evaluated: 2022-04-23. Review status: criteria provided, single submitter. Criteria: Invitae Variant Classification Sherloc (09022015). Collection method: clinical testing. Allele origin: germline.
Comment: This sequence change replaces glutamic acid, which is acidic and polar, with lysine, which is basic and polar, at codon 159 of the ITGB2 protein (p.Glu159Lys). This variant is present in population databases (rs765779500, gnomAD 0.01%). This variant has not been reported in the literature in individuals affected with ITGB2-related conditions. ClinVar contains an entry for this variant (Variation ID: 861795). Algorithms developed to predict the effect of missense changes on protein structure and function (SIFT, PolyPhen-2, Align-GVGD) all suggest that this variant is likely to be tolerated. In summary, the available evidence is currently insufficient to determine the role of this variant in disease. Therefore, it has been classified as a Variant of Uncertain Significance.